The following is an entry in ClinVar:

ClinVar aggregate classification (germline): Pathogenic. Review status: criteria provided, multiple submitters, no conflicts (2 of 4 stars). 3 submissions from 3 submitters: Pathogenic (3). Last evaluated 2025-12-04.

Conditions:
Cardiovascular phenotype. Identifiers: MedGen CN230736.
Arrhythmogenic right ventricular dysplasia 9 (ARVD9). Also called: Arrhythmogenic Right Ventricular Dysplasia/Cardiomyopathy 9; ARRHYTHMOGENIC RIGHT VENTRICULAR DYSPLASIA, FAMILIAL, 9. Identifiers: MedGen C1836906, MONDO:0012180, OMIM 609040.
PKP2-related disorder. Also called: PKP2-related condition.

Allele frequency attached by ClinVar (database versions not stated): gnomAD exomes below 0.00001.

Submissions (3):

Ambry Genetics
Classification: Pathogenic for Cardiovascular phenotype. Last evaluated: 2025-12-04. Review status: criteria provided, single submitter. Criteria: Ambry Variant Classification Scheme 2023. Collection method: clinical testing. Allele origin: germline.
Comment: The c.1630_1631insTT pathogenic mutation, located in coding exon 7 of the PKP2 gene, results from an insertion of two nucleotides at position 1630, causing a translational frameshift with a predicted alternate stop codon (p.P544Lfs*20). This variant was reported in individual(s) with features consistent with arrhythmogenic right ventricular cardiomyopathy (ARVC) (Gerull B et al. Nat Genet, 2004 Nov;36:1162-4; Hermida A et al. Eur J Heart Fail, 2019 Jun;21:792-800; Fressart V et al. Europace, 2010 Jun;12:861-8; Costa S et al. Circ Genom Precis Med, 2021 Feb;14:e003047). This variant is considered to be rare based on population cohorts in the Genome Aggregation Database (gnomAD). This alteration is expected to result in loss of function by premature protein truncation or nonsense-mediated mRNA decay. As such, this alteration is interpreted as a disease-causing mutation.

Labcorp Genetics (formerly Invitae), Labcorp
Classification: Pathogenic for Arrhythmogenic right ventricular dysplasia 9. Last evaluated: 2024-03-06. Review status: criteria provided, single submitter. Criteria: Invitae Variant Classification Sherloc (09022015). Collection method: clinical testing. Allele origin: germline.
Comment: This sequence change creates a premature translational stop signal (p.Pro544Leufs*20) in the PKP2 gene. It is expected to result in an absent or disrupted protein product. Loss-of-function variants in PKP2 are known to be pathogenic (PMID: 15489853, 17041889, 23911551). This variant is not present in population databases (gnomAD no frequency). This premature translational stop signal has been observed in individual(s) with clinical features of arrhythmogenic cardiomyopathy (PMID: 15489853, 30790397, 33232181). For these reasons, this variant has been classified as Pathogenic.

Blueprint Genetics
Classification: Pathogenic for PKP2-related disorders. Last evaluated: 2022-07-01. Review status: criteria provided, single submitter. Criteria: ACMG Guidelines, 2015. Collection method: clinical testing. Allele origin: germline. Affected: yes. Observed: 2 variant alleles.

Literature cited by the submitters: PubMed 15489853 (cited by Ambry Genetics and Labcorp Genetics (formerly Invitae), Labcorp); PubMed 20400443 (cited by Ambry Genetics); PubMed 30790397 (cited by Ambry Genetics and Labcorp Genetics (formerly Invitae), Labcorp); PubMed 33232181 (cited by Ambry Genetics and Labcorp Genetics (formerly Invitae), Labcorp); PubMed 17041889 (cited by Labcorp Genetics (formerly Invitae), Labcorp); PubMed 23911551 (cited by Labcorp Genetics (formerly Invitae), Labcorp).

NM_001005242.3(PKP2):c.1498_1499insTT (p.Pro500fs)

Gene: PKP2 (plakophilin 2; minus strand). Cytogenetic location: 12p11.21.
Variant type: Insertion.
Coding change: c.1498_1499insTT on transcript NM_001005242.3 (MANE Select); coding-DNA positions 1498 to 1499, TT inserted.
Protein change: p.Pro500fs; shifts the reading frame from proline 500.
Molecular consequence: frameshift variant.
Genome position: GRCh38 VCF-style: chr12-32841085-G-GAA. GRCh37 (hg19) VCF-style: chr12-32994019-G-GAA.
Other names: c.1630_1631insTT, p.Pro544fs (NM_004572.4); c.1630_1631insTT (NM_004572.3); short protein forms P544fs, P500fs.
Identifiers: ClinVar variation 2735820 (VCV002735820.5), dbSNP rs1318070848, ClinGen allele CA687460287.
Genomic context (GRCh38, chr12:32,841,085, plus strand): 5'-TACCTTAGGCATCCAGTGACGTTGTAGAATATGTCAAAATCGAGCAAACCATTTGCTTTT[G>GAA]GGTAGTCTCCTTCAGGCCACCCAGAAAAGGGGATGATGATATTCTCCGTCAGCGTAAGCA-3'